The following is an entry in ClinVar:

ClinVar aggregate classification (germline): Uncertain significance (1 of 4 stars; one submission).

gnomAD v4.1: 2 of 1,613,958 alleles (0.00012%); highest among the groups gnomAD compares: East Asian, 0.0022%; no homozygotes.

Submission:

Women's Health and Genetics/Laboratory Corporation of America, LabCorp
Classification: Uncertain significance. Last evaluated: 2024-06-14. Review status: criteria provided, single submitter. Criteria: LabCorp Variant Classification Summary - May 2015. Collection method: clinical testing. Allele origin: germline.
Comment: Variant summary: SETD1A c.694A>G (p.Thr232Ala) results in a non-conservative amino acid change in the encoded protein sequence. Four of five in-silico tools predict a benign effect of the variant on protein function. The variant allele was found at a frequency of 8e-06 in 251326 control chromosomes. The available data on variant occurrences in the general population are insufficient to allow any conclusion about variant significance. To our knowledge, no occurrence of c.694A>G in individuals affected with Neurodevelopmental Disorder With Speech Impairment And Dysmorphic Facies and no experimental evidence demonstrating its impact on protein function have been reported. No submitters have cited clinical-significance assessments for this variant to ClinVar. Based on the evidence outlined above, the variant was classified as uncertain significance.

NM_014712.3(SETD1A):c.694A>G (p.Thr232Ala)

Gene: SETD1A (SET domain containing 1A, histone lysine methyltransferase; plus strand). Cytogenetic location: 16p11.2.
Variant type: single nucleotide variant.
Coding change: c.694A>G on transcript NM_014712.3 (MANE Select); coding-DNA position 694, A replaced by G.
Protein change: p.Thr232Ala; replaces threonine 232 with alanine.
Molecular consequence: missense variant.
Genome position (GRCh38, 1-based): chr16:30,964,148, A>G. VCF-style: chr16-30964148-A-G. GRCh37 (hg19) VCF-style: chr16-30975469-A-G.
Other names: short protein forms T232A.
Identifiers: ClinVar variation 3339526 (VCV003339526.1).